The following is an entry in ClinVar:

NM_130839.5(UBE3A):c.1138G>A (p.Val380Ile)

Genes: SNHG14 (small nucleolar RNA host gene 14; plus strand), UBE3A (ubiquitin protein ligase E3A; minus strand). Cytogenetic location: 15q11.2.
Variant type: single nucleotide variant.
Coding change: c.1138G>A on transcript NM_130839.5 (MANE Select); coding-DNA position 1138, G replaced by A.
Protein change: p.Val380Ile; replaces valine 380 with isoleucine.
Molecular consequence: missense variant. On other transcripts: non-coding transcript variant (1), intron variant (2).
Genome position (GRCh38, 1-based): chr15:25,371,036, C>T on the plus strand (G>A on the coding strand, the complement: UBE3A is on the minus strand). VCF-style: chr15-25371036-C-T. GRCh37 (hg19) VCF-style: chr15-25616183-C-T.
Other names: c.1147G>A, p.Val383Ile (NM_000462.5); c.1138G>A, p.Val380Ile (NM_001354505.1, NM_001354538.2, NM_001354545.2); c.1078G>A, p.Val360Ile (NM_001354506.2, NM_001354507.2, NM_001354508.2 and 17 more transcripts); c.961G>A, p.Val321Ile (NM_001354546.2); c.301+4429G>A (NM_001354551.2); c.361+4429G>A (NM_001354550.2); short protein forms V360I, V383I, V321I, V380I.
Identifiers: ClinVar variation 423704 (VCV000423704.9), dbSNP rs751838524, ClinGen allele CA7435560.
Genomic context (GRCh38, chr15:25,371,036, plus strand): 5'-CAGGGATGGGCTCTTCATCATCTTCTTCATTGTGATTTGTGTCCACTTCCCCTCCCACTA[C>T]ATTTGCATAGTAAACCATTTTCAAGCACTTCGAAGCAGCAACAATGGCATCATCATCATT-3'
Protein context (NP_570854.1, residues 370-390): KCLKMVYYAN[Val380Ile]VGGEVDTNHN

ClinVar aggregate classification (germline): Uncertain significance. Review status: criteria provided, multiple submitters, no conflicts (2 of 4 stars). 3 submissions from 3 submitters: Uncertain significance (3). Last evaluated 2023-02-24.

Conditions:
Inborn genetic diseases. Identifiers: MedGen C0950123, MeSH D030342.
Angelman syndrome (AS). Also called: HAPPY PUPPET SYNDROME. Identifiers: Orphanet 72, MedGen C0162635, MONDO:0007113, OMIM 105830. Disease mechanism: loss of function. Inheritance: AS is caused by disruption of maternally imprinted UBE3A located within the 15q11.2-q13 Angelman syndrome/Prader-Willi syndrome (AS/PWS) region., imprinting disorder.

Allele frequency attached by ClinVar (database versions not stated): gnomAD exomes below 0.00001; gnomAD 0.00001; TOPMed 0.00001; ExAC 0.00002.
gnomAD v4.1: 9 of 1,613,972 alleles (0.00056%); highest among the groups gnomAD compares: East Asian, 0.0022%; no homozygotes.

Submissions (3):

Labcorp Genetics (formerly Invitae), Labcorp
Classification: Uncertain significance for Angelman syndrome. Last evaluated: 2023-02-24. Review status: criteria provided, single submitter. Criteria: Invitae Variant Classification Sherloc (09022015). Collection method: clinical testing. Allele origin: germline.
Comment: In summary, the available evidence is currently insufficient to determine the role of this variant in disease. Therefore, it has been classified as a Variant of Uncertain Significance. Advanced modeling of protein sequence and biophysical properties (such as structural, functional, and spatial information, amino acid conservation, physicochemical variation, residue mobility, and thermodynamic stability) performed at Invitae indicates that this missense variant is not expected to disrupt UBE3A protein function. ClinVar contains an entry for this variant (Variation ID: 423704). This variant has not been reported in the literature in individuals affected with UBE3A-related conditions. This variant is present in population databases (rs751838524, gnomAD 0.006%). This sequence change replaces valine, which is neutral and non-polar, with isoleucine, which is neutral and non-polar, at codon 360 of the UBE3A protein (p.Val360Ile).

Ambry Genetics
Classification: Uncertain significance for Inborn genetic diseases. Last evaluated: 2020-05-20. Review status: criteria provided, single submitter. Criteria: Ambry Variant Classification Scheme 2023. Collection method: clinical testing. Allele origin: germline.
Comment: The p.V360I variant (also known as c.1078G>A), located in coding exon 3 of the UBE3A gene, results from a G to A substitution at nucleotide position 1078. The valine at codon 360 is replaced by isoleucine, an amino acid with highly similar properties. This amino acid position is not well conserved in available vertebrate species, and isoleucine is the reference amino acid in other vertebrate species. Since supporting evidence is limited at this time, the clinical significance of this alteration remains unclear.

GeneDx
Classification: Uncertain significance. Last evaluated: 2017-02-20. Review status: criteria provided, single submitter. Criteria: GeneDx Variant Classification (06012015). Collection method: clinical testing. Allele origin: germline. Affected: yes.
Comment: A variant of uncertain significance has been identified in the UBE3A gene. The V360I variant has not been published as a pathogenic variant, nor has it been reported as a benign variant to our knowledge. The V360I variant is a conservative amino acid substitution, which is not likely to impact secondary protein structure as these residues share similar properties. This substitution occurs at a position where amino acids with similar properties to Valine are tolerated across species. However, the V360I variant is not observed at a significant frequency in large population cohorts (Lek et al., 2016; 1000 Genomes Consortium et al., 2015; Exome Variant Server). In silico analysis is inconsistent in its predictions as to whether or not the variant is damaging to the protein structure/function. Therefore, based on the currently available information, it is unclear whether this variant is a pathogenic variant or a rare benign variant.